The following is an entry in ClinVar:

NM_014484.5(MOCS3):c.619C>G (p.Arg207Gly)

Gene: MOCS3 (molybdenum cofactor synthesis 3; plus strand). Cytogenetic location: 20q13.13.
Variant type: single nucleotide variant.
Coding change: c.619C>G on transcript NM_014484.5 (MANE Select); coding-DNA position 619, C replaced by G.
Protein change: p.Arg207Gly; replaces arginine 207 with glycine.
Molecular consequence: missense variant.
Genome position (GRCh38, 1-based): chr20:50,959,461, C>G. VCF-style: chr20-50959461-C-G. GRCh37 (hg19) VCF-style: chr20-49575998-C-G.
Other names: short protein forms R207G.
Identifiers: ClinVar variation 2966129 (VCV002966129.3), dbSNP rs1987029304, ClinGen allele CA408983628.

ClinVar aggregate classification (germline): Uncertain significance (1 of 4 stars; one submission).

gnomAD v4.1: 10 of 1,613,952 alleles (0.00062%); highest among the groups gnomAD compares: East Asian, 0.013%; no homozygotes.

Submission:

Labcorp Genetics (formerly Invitae), Labcorp
Classification: Uncertain significance. Last evaluated: 2023-04-27. Review status: criteria provided, single submitter. Criteria: Invitae Variant Classification Sherloc (09022015). Collection method: clinical testing. Allele origin: germline.
Comment: In summary, the available evidence is currently insufficient to determine the role of this variant in disease. Therefore, it has been classified as a Variant of Uncertain Significance. An algorithm developed to predict the effect of missense changes on protein structure and function (PolyPhen-2) suggests that this variant is likely to be tolerated. This variant has not been reported in the literature in individuals affected with MOCS3-related conditions. This variant is not present in population databases (gnomAD no frequency). This sequence change replaces arginine, which is basic and polar, with glycine, which is neutral and non-polar, at codon 207 of the MOCS3 protein (p.Arg207Gly).